The following is an entry in ClinVar:

ClinVar aggregate classification (germline): Pathogenic. Review status: criteria provided, multiple submitters, no conflicts (2 of 4 stars). 2 submissions from 2 submitters: Pathogenic (2). Last evaluated 2023-10-22.

Conditions:
Hereditary nonpolyposis colorectal neoplasms. Identifiers: MedGen C0009405, MeSH D003123.
Hereditary cancer-predisposing syndrome. Also called: Neoplastic Syndromes, Hereditary; Tumor predisposition; Hereditary neoplastic syndrome; Hereditary Cancer Syndrome. Identifiers: Orphanet 140162, MedGen C0027672, MeSH D009386, MONDO:0015356.

Submissions (2):

Labcorp Genetics (formerly Invitae), Labcorp
Classification: Pathogenic for Hereditary nonpolyposis colorectal neoplasms. Last evaluated: 2023-10-22. Review status: criteria provided, single submitter. Criteria: Invitae Variant Classification Sherloc (09022015). Collection method: clinical testing. Allele origin: germline.
Comment: This sequence change creates a premature translational stop signal (p.Gln637Lysfs*2) in the PMS2 gene. It is expected to result in an absent or disrupted protein product. Loss-of-function variants in PMS2 are known to be pathogenic (PMID: 21376568, 24362816). This variant is not present in population databases (gnomAD no frequency). This variant has not been reported in the literature in individuals affected with PMS2-related conditions. ClinVar contains an entry for this variant (Variation ID: 629050). For these reasons, this variant has been classified as Pathogenic.

Color Diagnostics, LLC DBA Color Health
Classification: Pathogenic for Hereditary cancer-predisposing syndrome. Last evaluated: 2020-01-15. Review status: criteria provided, single submitter. Criteria: ACMG Guidelines, 2015. Collection method: clinical testing. Allele origin: germline.
Comment: This variant deletes 5 nucleotides in exon 11 of the PMS2 gene, creating a frameshift and premature translation stop signal. This variant is expected to result in an absent or non-functional protein product. This variant has not been identified in the general population by the Genome Aggregation Database (gnomAD). Loss of PMS2 function is a known mechanism of disease. Based on the available evidence, this variant is classified as Pathogenic.

Literature cited by the submitters: PubMed 21376568 (cited by Labcorp Genetics (formerly Invitae), Labcorp); PubMed 24362816 (cited by Labcorp Genetics (formerly Invitae), Labcorp).

NM_000535.7(PMS2):c.1909_1913del (p.Gln637fs)

Gene: PMS2 (PMS1 homolog 2, mismatch repair system component; minus strand). Cytogenetic location: 7p22.1.
Variant type: Deletion.
Coding change: c.1909_1913del on transcript NM_000535.7 (MANE Select); coding-DNA positions 1909 to 1913, 5 bases deleted (CAGCA; older notation c.1909_1913delCAGCA).
Protein change: p.Gln637fs; shifts the reading frame from glutamine 637.
Molecular consequence: frameshift variant. On other transcripts: non-coding transcript variant (1).
Genome position (GRCh38, 1-based): chr7:5,986,852-5,986,856, TGCTG deleted on the plus strand (CAGCA on the coding strand, the reverse complement: PMS2 is on the minus strand); deleting any 5 consecutive bases within chr7:5,986,852-5,986,860 gives the same sequence; the c. name uses the placement nearest the transcript's 3' end. VCF-style (leftmost placement, unchanged base first): chr7-5986851-TTGCTG-T. GRCh37 (hg19) VCF-style: chr7-6026482-TTGCTG-T.
Other names: c.1504_1508del, p.Gln502fs (NM_001322003.2, NM_001322004.2, NM_001322005.2 and 1 more transcripts); c.1753_1757del, p.Gln585fs (NM_001322006.2); c.1591_1595del, p.Gln531fs (NM_001322007.2, NM_001322008.2); c.1348_1352del, p.Gln450fs (NM_001322010.2); c.976_980del, p.Gln326fs (NM_001322011.2, NM_001322012.2); c.1336_1340del, p.Gln446fs (NM_001322013.2); c.1909_1913del, p.Gln637fs (NM_001322014.2); c.1600_1604del, p.Gln534fs (NM_001322015.2); and 1 more; short protein forms Q585fs, Q326fs, Q446fs, Q531fs, Q534fs, Q450fs, Q502fs, Q637fs.
Identifiers: ClinVar variation 629050 (VCV000629050.7), dbSNP rs1562626011, ClinGen allele CA913188220.
Genomic context (GRCh38, chr7:5,986,851, plus strand): 5'-TTGATTTTCTCCAGGACAAATCTTTGCCCTAAACTTCCTGTAATTCTGTTCCCCTTCACT[TTGCTG>T]TGCTTCATGATGTAACTGCTTTATTCGTTTAGCTAAAGAACTCATAGAAAAGTCCAGGGG-3'